The following is an entry in ClinVar:

ClinVar aggregate classification (germline): Uncertain significance (1 of 4 stars; one submission).

Conditions:
SLC2A1-related disorder. Also called: SLC2A1-related condition; SLC2A1-related disorders.

Submission:

PreventionGenetics, part of Exact Sciences
Classification: Uncertain significance for SLC2A1-related condition. Last evaluated: 2023-05-11. Review status: criteria provided, single submitter. Criteria: ACMG Guidelines, 2015. Collection method: clinical testing. Allele origin: germline.
Comment: The SLC2A1 c.424A>G variant is predicted to result in the amino acid substitution p.Met142Val. To our knowledge, this variant has not been reported in the literature or in a large population database, indicating this variant is rare. A different missense variant affecting this amino acid (p.Met142Lys) has been reported as de novo in an individual with GLUT1 deficiency syndrome (Hully et al. 2015. PubMed ID: 26193382). At this time, the clinical significance of this variant is uncertain due to the absence of conclusive functional and genetic evidence.

NM_006516.4(SLC2A1):c.424A>G (p.Met142Val)

Gene: SLC2A1 (solute carrier family 2 member 1; minus strand). Cytogenetic location: 1p34.2.
Variant type: single nucleotide variant.
Coding change: c.424A>G on transcript NM_006516.4 (MANE Select); coding-DNA position 424, A replaced by G.
Protein change: p.Met142Val; replaces methionine 142 with valine.
Molecular consequence: missense variant.
Genome position (GRCh38, 1-based): chr1:42,930,718, T>C on the plus strand (A>G on the coding strand, the complement: SLC2A1 is on the minus strand). VCF-style: chr1-42930718-T-C. GRCh37 (hg19) VCF-style: chr1-43396389-T-C.
Other names: short protein forms M142V.
Identifiers: ClinVar variation 2633446 (VCV002633446.1), dbSNP rs780519584, ClinGen allele CA21252033.
Genomic context (GRCh38, chr1:42,930,718, plus strand): 5'-GCTGGTGCAGGGTGCCCAGGGCCCCACGAAGGGCTGTGGGTGACACTTCACCCACATACA[T>C]GGGCACGAAGCCTGTGGTCAGGCCGCAGTACACACCGATGATGAAGCGGCCCAGGATCAG-3'
Protein context (NP_006507.2, residues 132-152): YCGLTTGFVP[Met142Val]YVGEVSPTAL